The following is an entry in ClinVar:

NM_001458.5(FLNC):c.4048C>T (p.Pro1350Ser)

Gene: FLNC (filamin C; plus strand). Cytogenetic location: 7q32.1.
Variant type: single nucleotide variant.
Coding change: c.4048C>T on transcript NM_001458.5 (MANE Select); coding-DNA position 4048, C replaced by T.
Protein change: p.Pro1350Ser; replaces proline 1350 with serine.
Molecular consequence: missense variant.
Genome position (GRCh38, 1-based): chr7:128,846,384, C>T. VCF-style: chr7-128846384-C-T. GRCh37 (hg19) VCF-style: chr7-128486438-C-T.
Other names: c.4048C>T, p.Pro1350Ser (NM_001127487.2); short protein forms P1350S.
Identifiers: ClinVar variation 5019507 (VCV005019507.2).

ClinVar aggregate classification (germline): Uncertain significance (1 of 4 stars; one submission).

Conditions:
Hypertrophic cardiomyopathy 26. Also called: Cardiomyopathy, familial hypertrophic, 26. Identifiers: Orphanet 75249, MedGen C4310749, MONDO:0014883, OMIM 617047.
Distal myopathy with posterior leg and anterior hand involvement. Also called: WILLIAMS DISTAL MYOPATHY. Identifiers: Orphanet 63273, MedGen C3279722, MONDO:0013550, OMIM 614065.
Myofibrillar myopathy 5. Also called: Filaminopathy (type); FILAMINOPATHY, AUTOSOMAL DOMINANT. Identifiers: Orphanet 171445, MedGen C1836050, MONDO:0012289, OMIM 609524.

gnomAD v4.1: 1 of 1,612,026 alleles (0.000062%); highest among the groups gnomAD compares: South Asian, 0.0011%; no homozygotes.

Submission:

Juno Genomics, Hangzhou Juno Genomics, Inc
Classification: Uncertain significance for Myofibrillar myopathy 5; Hypertrophic cardiomyopathy 26; Distal myopathy with posterior leg and anterior hand involvement. Review status: criteria provided, single submitter. Criteria: ACMG Guidelines, 2015. Collection method: clinical testing. Allele origin: germline.
Comment: Absent from controls (or at extremely low frequency if recessive) in Genome Aggregation Database.;Multiple lines of computational evidence support a deleterious effect on the gene or gene product.;Missense variant in a gene that has a low rate of benign missense variation.